The following is an entry in ClinVar:

NM_001010867.3(IBA57):c.-45dup

Gene: IBA57 (iron-sulfur cluster assembly factor IBA57; plus strand). Cytogenetic location: 1q42.13.
Variant type: Duplication.
Coding change: c.-45dup on transcript NM_001010867.3; 45 bases upstream of the start codon, one base duplicated (C; older notation c.-45dupC).
Genome position (GRCh38, 1-based): chr1:228,165,772, C duplicated; the last of 4 consecutive C bases (chr1:228,165,769-228,165,772); duplicating any one gives the same sequence. VCF-style (leftmost placement, unchanged base first): chr1-228165768-G-GC. GRCh37 (hg19) VCF-style: chr1-228353469-G-GC.
Identifiers: ClinVar variation 507925 (VCV000507925.1), dbSNP rs775922054, ClinGen allele CA1431043.

ClinVar aggregate classification (germline): Likely benign (1 of 4 stars; one submission).

Submission:

GeneDx
Classification: Likely benign. Last evaluated: 2017-03-27. Review status: criteria provided, single submitter. Criteria: GeneDx Variant Classification (06012015). Collection method: clinical testing. Allele origin: germline. Affected: yes.
Comment: This variant is considered likely benign or benign based on one or more of the following criteria: it is a conservative change, it occurs at a poorly conserved position in the protein, it is predicted to be benign by multiple in silico algorithms, and/or has population frequency not consistent with disease.